The following is an entry in ClinVar:

NM_000059.4(BRCA2):c.1217C>G (p.Ala406Gly)

Gene: BRCA2 (BRCA2 DNA repair associated; plus strand). Cytogenetic location: 13q13.1.
Variant type: single nucleotide variant.
Coding change: c.1217C>G on transcript NM_000059.4 (MANE Select); coding-DNA position 1217, C replaced by G.
Protein change: p.Ala406Gly; replaces alanine 406 with glycine.
Molecular consequence: missense variant.
Genome position (GRCh38, 1-based): chr13:32,332,695, C>G. VCF-style: chr13-32332695-C-G. GRCh37 (hg19) VCF-style: chr13-32906832-C-G.
Other names: short protein forms A406G.
Identifiers: ClinVar variation 483046 (VCV000483046.22), dbSNP rs1005568368, ClinGen allele CA247496852.
Genomic context (GRCh38, chr13:32,332,695, plus strand): 5'-AAGTTGTACCGTCTTTGGCCTGTGAATGGTCTCAACTAACCCTTTCAGGTCTAAATGGAG[C>G]CCAGATGGAGAAAATACCCCTATTGCATATTTCTTCATGTGACCAAAATATTTCAGAAAA-3'
Protein context (NP_000050.3, residues 396-416): SQLTLSGLNG[Ala406Gly]QMEKIPLLHI

ClinVar aggregate classification (germline): Conflicting classifications of pathogenicity. Review status: criteria provided, conflicting classifications (1 of 4 stars). 8 submissions from 8 submitters: Uncertain significance (7); Likely benign (1). Last evaluated 2025-04-02.

Conditions:
Hereditary cancer-predisposing syndrome. Also called: Neoplastic Syndromes, Hereditary; Tumor predisposition; Hereditary Cancer Syndrome; Hereditary neoplastic syndrome. Identifiers: Orphanet 140162, MedGen C0027672, MeSH D009386, MONDO:0015356.
Hereditary breast ovarian cancer syndrome. Also called: BRCA1- and BRCA2-Associated Hereditary Breast and Ovarian Cancer; Hereditary breast and ovarian cancer; Breast and ovarian cancer; Hereditary breast and/or ovarian cancer syndrome; Hereditary breast and ovarian cancer syndrome; Hereditary breast and ovarian cancer syndrome (HBOC). Identifiers: Orphanet 145, MedGen C0677776, MeSH D061325, MONDO:0003582. Disease mechanism: loss of function.
Breast-ovarian cancer, familial, susceptibility to, 2 (BROVCA2). Also called: BRCA2 Hereditary Breast and Ovarian Cancer. Identifiers: Orphanet 145, MedGen C2675520, MONDO:0012933, OMIM 612555. Disease mechanism: loss of function.
Familial cancer of breast. Also called: BREAST CANCER, FAMILIAL; hereditary breast carcinoma; Hereditary breast cancer. Identifiers: Orphanet 227535, MedGen C0346153, MONDO:0016419, OMIM 114480. Disease mechanism: loss of function.
Fanconi anemia complementation group D1. Also called: BRCA2-Related Fanconi Anemia. Identifiers: Orphanet 319462, MedGen C1838457, MONDO:0011584, OMIM 605724.
Medulloblastoma (MDB). Also called: Medulloblastoma, somatic; MEDULLOBLASTOMA PREDISPOSITION SYNDROME. Identifiers: Orphanet 616, MedGen C0025149, MeSH D008527, MONDO:0007959, OMIM 155255, HP:0002885.
Wilms tumor 1 (WT1). Also called: Wilms tumor, somatic. Identifiers: Orphanet 654, MedGen CN033288, MONDO:0008679, OMIM 194070.
Pancreatic cancer, susceptibility to, 2. Identifiers: Orphanet 1333, MedGen C3150546, MONDO:0013235, OMIM 613347.
Glioma susceptibility 3 (GLM3). Also called: Glioblastoma 3. Identifiers: Orphanet 182067, Orphanet 360, MedGen C2751641, MONDO:0013093, OMIM 613029.
Familial prostate cancer. Also called: Hereditary Prostate Cancer. Identifiers: MedGen C2931456, MONDO:0700275, OMIM 176807.

Allele frequency attached by ClinVar (database versions not stated): TOPMed below 0.00001; gnomAD exomes below 0.00001 and 0.00001.
gnomAD v4.1: 5 of 1,613,702 alleles (0.00031%); highest among the groups gnomAD compares: African/African-American, 0.004%; no homozygotes.

Submissions (8):

Ambry Genetics
Classification: Uncertain significance for Hereditary cancer-predisposing syndrome. Last evaluated: 2025-04-02. Review status: criteria provided, single submitter. Criteria: Ambry Variant Classification Scheme 2023. Collection method: clinical testing. Allele origin: germline.
Comment: The p.A406G variant (also known as c.1217C>G), located in coding exon 9 of the BRCA2 gene, results from a C to G substitution at nucleotide position 1217. The alanine at codon 406 is replaced by glycine, an amino acid with similar properties. This amino acid position is poorly conserved in available vertebrate species. In addition, this alteration is predicted to be tolerated by in silico analysis. Based on the available evidence, the clinical significance of this variant remains unclear.

Labcorp Genetics (formerly Invitae), Labcorp
Classification: Uncertain significance for Hereditary breast ovarian cancer syndrome. Last evaluated: 2025-03-30. Review status: criteria provided, single submitter. Criteria: Invitae Variant Classification Sherloc (09022015). Collection method: clinical testing. Allele origin: germline.
Comment: This sequence change replaces alanine, which is neutral and non-polar, with glycine, which is neutral and non-polar, at codon 406 of the BRCA2 protein (p.Ala406Gly). This variant is present in population databases (no rsID available, gnomAD 0.01%). This variant has not been reported in the literature in individuals affected with BRCA2-related conditions. ClinVar contains an entry for this variant (Variation ID: 483046). Invitae Evidence Modeling of protein sequence and biophysical properties (such as structural, functional, and spatial information, amino acid conservation, physicochemical variation, residue mobility, and thermodynamic stability) indicates that this missense variant is not expected to disrupt BRCA2 protein function with a negative predictive value of 95%. In summary, the available evidence is currently insufficient to determine the role of this variant in disease. Therefore, it has been classified as a Variant of Uncertain Significance.

Fulgent Genetics
Classification: Uncertain significance for Familial cancer of breast; Medulloblastoma; Familial prostate cancer; Wilms tumor 1; Fanconi anemia complementation group D1; Breast-ovarian cancer, familial, susceptibility to, 2; Glioma susceptibility 3; Pancreatic cancer, susceptibility to, 2. Last evaluated: 2024-04-16. Review status: criteria provided, single submitter. Criteria: ACMG Guidelines, 2015. Collection method: clinical testing. Allele origin: germline.

All of Us Research Program, National Institutes of Health
Classification: Uncertain significance for Breast-ovarian cancer, familial, susceptibility to, 2. Last evaluated: 2024-01-11. Review status: criteria provided, single submitter. Criteria: ACMG Guidelines, 2015. Collection method: clinical testing. Allele origin: germline. Inheritance: Autosomal dominant inheritance. Observed: 1 variant allele, 1 heterozygote.
Comment: This missense variant replaces alanine with glycine at codon 406 of the BRCA2 protein. Computational prediction suggests that this variant may not impact protein structure and function (internally defined REVEL score threshold <= 0.5, PMID: 27666373). Splice site prediction tools suggest that this variant may not impact RNA splicing. To our knowledge, functional studies have not been performed for this variant. This variant has not been reported in individuals affected with hereditary cancer in the literature. This variant has been identified in 2/250188 chromosomes in the general population by the Genome Aggregation Database (gnomAD). The available evidence is insufficient to determine the role of this variant in disease conclusively. Therefore, this variant is classified as a Variant of Uncertain Significance.

This study involves interpretation of variants in research participants for the purpose of population health screening. Participant phenotype was not available at the time of variant classification. Additional details can be found in publication PMID: 35346344, PMCID: PMC8962531

GeneDx
Classification: Uncertain significance. Last evaluated: 2023-11-10. Review status: criteria provided, single submitter. Criteria: GeneDx Variant Classification Process June 2021. Collection method: clinical testing. Allele origin: germline. Affected: yes.
Comment: Not observed at significant frequency in large population cohorts (gnomAD); In silico analysis supports that this missense variant does not alter protein structure/function; Has not been previously published as pathogenic or benign to our knowledge; Also known as 1445C>G; This variant is associated with the following publications: (PMID: 24109560, 24651015, 29884841, 31853058, 32377563)

University of Washington Department of Laboratory Medicine, University of Washington
Classification: Likely benign for Hereditary cancer-predisposing syndrome. Last evaluated: 2023-03-23. Review status: criteria provided, single submitter. Criteria: Dines et al. (Genet Med. 2020). Collection method: curation. Allele origin: germline.
Comment: Missense variant in a coldspot region where missense variants are very unlikely to be pathogenic (PMID:31911673).

BRCA2 exon 10 coldspot. Reclassification based on statistical prior probability.

Color Diagnostics, LLC DBA Color Health
Classification: Uncertain significance for Hereditary cancer-predisposing syndrome. Last evaluated: 2020-02-14. Review status: criteria provided, single submitter. Criteria: ACMG Guidelines, 2015. Collection method: clinical testing. Allele origin: germline.
Comment: This missense variant replaces alanine with glycine at codon 406 of the BRCA2 protein. Computational prediction suggests that this variant may not impact protein structure and function (internally defined REVEL score threshold <= 0.5, PMID: 27666373). Splice site prediction tools suggest that this variant may not impact RNA splicing. To our knowledge, functional studies have not been performed for this variant. This variant has not been reported in individuals affected with hereditary cancer in the literature. This variant has been identified in 2/250188 chromosomes in the general population by the Genome Aggregation Database (gnomAD). The available evidence is insufficient to determine the role of this variant in disease conclusively. Therefore, this variant is classified as a Variant of Uncertain Significance.

Women's Health and Genetics/Laboratory Corporation of America, LabCorp
Classification: Uncertain significance. Last evaluated: 2016-03-02. Review status: criteria provided, single submitter. Criteria: LabCorp Variant Classification Summary - May 2015. Collection method: clinical testing. Allele origin: germline.